The following is an entry in ClinVar:

NM_001267550.2(TTN):c.67354C>G (p.Pro22452Ala)

Genes: TTN (titin; minus strand), TTN-AS1 (TTN antisense RNA 1; plus strand). Cytogenetic location: 2q31.2.
Variant type: single nucleotide variant.
Coding change: c.67354C>G on transcript NM_001267550.2 (MANE Select); coding-DNA position 67354, C replaced by G.
Protein change: p.Pro22452Ala; replaces proline 22452 with alanine.
Molecular consequence: missense variant.
Genome position (GRCh38, 1-based): chr2:178,579,843, G>C on the plus strand (C>G on the coding strand, the complement: TTN is on the minus strand). VCF-style: chr2-178579843-G-C. GRCh37 (hg19) VCF-style: chr2-179444570-G-C.
Other names: c.62431C>G, p.Pro20811Ala (NM_001256850.1); c.40159C>G, p.Pro13387Ala (NM_003319.4); c.59650C>G, p.Pro19884Ala (NM_133378.4); c.40534C>G, p.Pro13512Ala (NM_133432.3); c.40735C>G, p.Pro13579Ala (NM_133437.4); short protein forms P13387A, P13512A, P13579A, P19884A, P20811A, P22452A.
Identifiers: ClinVar variation 5017259 (VCV005017259.1).

ClinVar aggregate classification (germline): Uncertain significance (1 of 4 stars; one submission).

gnomAD v4.1: 3 of 1,612,794 alleles (0.00019%); highest among the groups gnomAD compares: East Asian, 0.0067%; no homozygotes.

Submission:

GeneDx
Classification: Uncertain significance. Last evaluated: 2026-03-27. Review status: criteria provided, single submitter. Criteria: GeneDx Variant Classification Process June 2021. Collection method: clinical testing. Allele origin: germline.
Comment: Not observed at significant frequency in large population cohorts (gnomAD); Missense variant in a gene in which most reported pathogenic variants are truncating/loss of function; Has not been previously published as pathogenic or benign to our knowledge